The following is an entry in ClinVar:

NM_001365536.1(SCN9A):c.3120C>G (p.Asn1040Lys)

Genes: SCN9A (sodium voltage-gated channel alpha subunit 9; minus strand), SCN1A-AS1 (SCN1A and SCN9A antisense RNA 1; plus strand). Cytogenetic location: 2q24.3.
Variant type: single nucleotide variant.
Coding change: c.3120C>G on transcript NM_001365536.1 (MANE Select); coding-DNA position 3120, C replaced by G.
Protein change: p.Asn1040Lys; replaces asparagine 1040 with lysine.
Molecular consequence: missense variant.
Genome position (GRCh38, 1-based): chr2:166,272,630, G>C on the plus strand (C>G on the coding strand, the complement: SCN9A is on the minus strand). VCF-style: chr2-166272630-G-C. GRCh37 (hg19) VCF-style: chr2-167129140-G-C.
Other names: c.3087C>G, p.Asn1029Lys (NM_002977.4); short protein forms N1040K, N1029K.
Identifiers: ClinVar variation 949513 (VCV000949513.10), dbSNP rs766012083, ClinGen allele CA1944134.

ClinVar aggregate classification (germline): Uncertain significance (1 of 4 stars; one submission).

Conditions:
Generalized epilepsy with febrile seizures plus, type 7 (GEFSP7). Also called: GEFS+, TYPE 7. Identifiers: Orphanet 36387, MedGen C2751778, MONDO:0013470, OMIM 613863.
Neuropathy, hereditary sensory and autonomic, type 2A (HSAN2A). Also called: HSAN IIA; MORVAN DISEASE; NEUROPATHY, CONGENITAL SENSORY; NEUROPATHY, HEREDITARY SENSORY RADICULAR, AUTOSOMAL RECESSIVE; NEUROPATHY, HEREDITARY SENSORY, TYPE IIA; NEUROPATHY, PROGRESSIVE SENSORY, OF CHILDREN. Identifiers: Orphanet 970, MedGen C2752089, MONDO:0024309, OMIM 201300.

Allele frequency attached by ClinVar (database versions not stated): gnomAD exomes below 0.00001; ExAC 0.00001.
gnomAD v4.1: 4 of 1,613,122 alleles (0.00025%); highest among the groups gnomAD compares: South Asian, 0.0022%; no homozygotes.

Submission:

Labcorp Genetics (formerly Invitae), Labcorp
Classification: Uncertain significance for Neuropathy, hereditary sensory and autonomic, type 2A; Generalized epilepsy with febrile seizures plus, type 7. Last evaluated: 2022-09-05. Review status: criteria provided, single submitter. Criteria: Invitae Variant Classification Sherloc (09022015). Collection method: clinical testing. Allele origin: germline.
Comment: In summary, the available evidence is currently insufficient to determine the role of this variant in disease. Therefore, it has been classified as a Variant of Uncertain Significance. Algorithms developed to predict the effect of missense changes on protein structure and function are either unavailable or do not agree on the potential impact of this missense change (SIFT: "Tolerated"; PolyPhen-2: "Possibly Damaging"; Align-GVGD: "Class C15"). ClinVar contains an entry for this variant (Variation ID: 949513). This variant has not been reported in the literature in individuals affected with SCN9A-related conditions. This variant is present in population databases (rs766012083, gnomAD 0.002%). This sequence change replaces asparagine, which is neutral and polar, with lysine, which is basic and polar, at codon 1029 of the SCN9A protein (p.Asn1029Lys).